The following is an entry in ClinVar:

NM_032982.4(CASP2):c.621T>C (p.Asn207=)

Gene: CASP2 (caspase 2; plus strand). Cytogenetic location: 7q34.
Variant type: single nucleotide variant.
Coding change: c.621T>C on transcript NM_032982.4 (MANE Select); coding-DNA position 621, T replaced by C.
Protein change: p.Asn207=; no amino-acid change (asparagine 207 retained).
Molecular consequence: synonymous variant. On other transcripts: 3 prime UTR variant (1).
Genome position (GRCh38, 1-based): chr7:143,294,647, T>C. VCF-style: chr7-143294647-T-C. GRCh37 (hg19) VCF-style: chr7-142991740-T-C.
Other names: c.528T>C, p.Asn176= (NM_001224.5); c.*76T>C (NM_032983.4).
Identifiers: ClinVar variation 4534787 (VCV004534787.6).

ClinVar aggregate classification (germline): Likely benign (1 of 4 stars; one submission).

Submission:

CeGaT Center for Human Genetics Tuebingen
Classification: Likely benign. Last evaluated: 2025-10-01. Review status: criteria provided, single submitter. Criteria: CeGaT Center For Human Genetics Tuebingen Variant Classification Criteria Version 2. Collection method: clinical testing. Allele origin: germline. Affected: yes. Observed: 1 variant allele.
Comment: CASP2: BP4, BP7